The following is an entry in ClinVar:

NM_005458.8(GABBR2):c.2443C>A (p.Gln815Lys)

Gene: GABBR2 (gamma-aminobutyric acid type B receptor subunit 2; minus strand). Cytogenetic location: 9q22.33.
Variant type: single nucleotide variant.
Coding change: c.2443C>A on transcript NM_005458.8 (MANE Select); coding-DNA position 2443, C replaced by A.
Protein change: p.Gln815Lys; replaces glutamine 815 with lysine.
Molecular consequence: missense variant.
Genome position (GRCh38, 1-based): chr9:98,299,323, G>T on the plus strand (C>A on the coding strand, the complement: GABBR2 is on the minus strand). VCF-style: chr9-98299323-G-T. GRCh37 (hg19) VCF-style: chr9-101061605-G-T.
Other names: short protein forms Q815K.
Identifiers: ClinVar variation 2709500 (VCV002709500.3), dbSNP rs748889669, ClinGen allele CA5152462.
Genomic context (GRCh38, chr9:98,299,323, plus strand): 5'-TGAGCTCTTGGTAGTGGTTCTGTTTAATGTAGGTGGTCTTTTCTGGTGTGTCCTGCAGCT[G>T]CATGGTGACCTCTTCCAAGTCTTTATCCAGCTACAAGACAAAGGTTCCAGTTGAGTCAGG-3'
Protein context (NP_005449.5, residues 805-825): LDKDLEEVTM[Gln815Lys]LQDTPEKTTY

ClinVar aggregate classification (germline): Uncertain significance (1 of 4 stars; one submission).

Conditions:
Epileptic encephalopathy. Identifiers: MedGen C0543888, HP:0200134.

Allele frequency attached by ClinVar (database versions not stated): TOPMed below 0.00001; gnomAD exomes 0.00001; ExAC 0.00006.
gnomAD v4.1: 16 of 1,613,626 alleles (0.00099%); highest among the groups gnomAD compares: Non-Finnish European, 0.0013%; no homozygotes.

Submission:

Labcorp Genetics (formerly Invitae), Labcorp
Classification: Uncertain significance for Epileptic encephalopathy. Last evaluated: 2024-05-13. Review status: criteria provided, single submitter. Criteria: Invitae Variant Classification Sherloc (09022015). Collection method: clinical testing. Allele origin: germline.
Comment: This sequence change replaces glutamine, which is neutral and polar, with lysine, which is basic and polar, at codon 815 of the GABBR2 protein (p.Gln815Lys). This variant is present in population databases (rs748889669, gnomAD 0.006%). This variant has not been reported in the literature in individuals affected with GABBR2-related conditions. Advanced modeling of protein sequence and biophysical properties (such as structural, functional, and spatial information, amino acid conservation, physicochemical variation, residue mobility, and thermodynamic stability) performed at Invitae indicates that this missense variant is not expected to disrupt GABBR2 protein function with a negative predictive value of 80%. In summary, the available evidence is currently insufficient to determine the role of this variant in disease. Therefore, it has been classified as a Variant of Uncertain Significance.